The following is an entry in ClinVar:

NM_019112.4(ABCA7):c.510G>C (p.Gly170=)

Gene: ABCA7 (ATP binding cassette subfamily A member 7; plus strand). Cytogenetic location: 19p13.3.
Variant type: single nucleotide variant.
Coding change: c.510G>C on transcript NM_019112.4 (MANE Select); coding-DNA position 510, G replaced by C.
Protein change: p.Gly170=; no amino-acid change (glycine 170 retained).
Molecular consequence: synonymous variant.
Genome position (GRCh38, 1-based): chr19:1,042,757, G>C. VCF-style: chr19-1042757-G-C. GRCh37 (hg19) VCF-style: chr19-1042756-G-C.
Identifiers: ClinVar variation 5039275 (VCV005039275.1).
Genomic context (GRCh38, chr19:1,042,757, plus strand): 5'-CCTAGTGAGTGTTCAAAATCATTGTCCCCCTTGTGGTCTTTCTCCCCAGGAATCCCTGGG[G>C]TTGGCACTGGGCCAAGCCCAGGAGCCCTTGCACAGCTTGTTGGAGGCCGCTGAGGACCTG-3'
Protein context (NP_061985.2, residues 160-180): LTSLLRTESL[Gly170=]LALGQAQEPL

ClinVar aggregate classification (germline): Likely benign (1 of 4 stars; one submission).

Submission:

CeGaT Center for Human Genetics Tuebingen
Classification: Likely benign. Last evaluated: 2026-07-01. Review status: criteria provided, single submitter. Criteria: CeGaT Center For Human Genetics Tuebingen Variant Classification Criteria Version 2. Collection method: clinical testing. Allele origin: germline. Affected: yes. Observed: 1 variant allele.
Comment: ABCA7: PM2:Supporting, BP4, BP7